The following is an entry in ClinVar:

NM_003620.4(PPM1D):c.788_791dup (p.Asp264_Gln265insTer)

Gene: PPM1D (protein phosphatase, Mg2+/Mn2+ dependent 1D; plus strand). Cytogenetic location: 17q23.2.
Variant type: Duplication.
Coding change: c.788_791dup on transcript NM_003620.4 (MANE Select); coding-DNA positions 788 to 791, 4 bases duplicated (TTGA; older notation c.788_791dupTTGA).
Protein change: p.Asp264_Gln265insTer.
Molecular consequence: nonsense.
Genome position (GRCh38, 1-based): chr17:60,633,939-60,633,942, TTGA duplicated; duplicating any 4 consecutive bases within chr17:60,633,938-60,633,942 gives the same sequence; the c. name uses the placement nearest the transcript's 3' end. VCF-style (leftmost placement, unchanged base first): chr17-60633937-T-TATTG. GRCh37 (hg19) VCF-style: chr17-58711298-T-TATTG.
Identifiers: ClinVar variation 3654566 (VCV003654566.2).

ClinVar aggregate classification (germline): Uncertain significance (1 of 4 stars; one submission).

Submission:

Labcorp Genetics (formerly Invitae), Labcorp
Classification: Uncertain significance. Last evaluated: 2024-05-25. Review status: criteria provided, single submitter. Criteria: Invitae Variant Classification Sherloc (09022015). Collection method: clinical testing. Allele origin: germline.
Comment: This sequence change creates a premature translational stop signal (p.Gln265*) in the PPM1D gene. It is expected to result in an absent or disrupted protein product. However, the current clinical and genetic evidence is not sufficient to establish whether loss-of-function variants in PPM1D cause disease. This variant is not present in population databases (gnomAD no frequency). This variant has not been reported in the literature in individuals affected with PPM1D-related conditions. In summary, the available evidence is currently insufficient to determine the role of this variant in disease. Therefore, it has been classified as a Variant of Uncertain Significance.